The following is an entry in ClinVar:

NM_000051.4(ATM):c.793A>G (p.Ile265Val)

Gene: ATM (ATM serine/threonine kinase; plus strand). Cytogenetic location: 11q22.3.
Variant type: single nucleotide variant.
Coding change: c.793A>G on transcript NM_000051.4 (MANE Select); coding-DNA position 793, A replaced by G.
Protein change: p.Ile265Val; replaces isoleucine 265 with valine.
Molecular consequence: missense variant.
Genome position (GRCh38, 1-based): chr11:108,244,918, A>G. VCF-style: chr11-108244918-A-G. GRCh37 (hg19) VCF-style: chr11-108115645-A-G.
Other names: c.793A>G, p.Ile265Val (NM_001351834.2); short protein forms I265V.
Identifiers: ClinVar variation 141736 (VCV000141736.12), dbSNP rs587781973, ClinGen allele CA166265.

ClinVar aggregate classification (germline): Conflicting classifications of pathogenicity. Review status: criteria provided, conflicting classifications (1 of 4 stars). 2 submissions from 2 submitters: Uncertain significance (1); Likely benign (1). Last evaluated 2026-05-08.

Conditions:
Hereditary cancer-predisposing syndrome. Also called: Neoplastic Syndromes, Hereditary; Tumor predisposition; Hereditary neoplastic syndrome; Hereditary Cancer Syndrome. Identifiers: Orphanet 140162, MedGen C0027672, MeSH D009386, MONDO:0015356.
Ataxia-telangiectasia syndrome (AT). Also called: Ataxia telangiectasia (A-T); LOUIS-BAR SYNDROME; Cerebello-oculocutaneous telangiectasia; Immunodeficiency with ataxia telangiectasia; Ataxia-telangiectasia, complementation group E; Ataxia-telangiectasia, complementation group D. Identifiers: Orphanet 100, MedGen C0004135, MONDO:0008840, OMIM 208900.

Submissions (2):

Ambry Genetics
Classification: Likely benign for Hereditary cancer-predisposing syndrome. Last evaluated: 2026-05-08. Review status: criteria provided, single submitter. Criteria: Ambry Variant Classification Scheme 2023. Collection method: clinical testing. Allele origin: germline.

Labcorp Genetics (formerly Invitae), Labcorp
Classification: Uncertain significance for Ataxia-telangiectasia syndrome. Last evaluated: 2024-07-30. Review status: criteria provided, single submitter. Criteria: Invitae Variant Classification Sherloc (09022015). Collection method: clinical testing. Allele origin: germline.
Comment: This sequence change replaces isoleucine, which is neutral and non-polar, with valine, which is neutral and non-polar, at codon 265 of the ATM protein (p.Ile265Val). This variant is not present in population databases (gnomAD no frequency). This variant has not been reported in the literature in individuals affected with ATM-related conditions. ClinVar contains an entry for this variant (Variation ID: 141736). An algorithm developed to predict the effect of missense changes on protein structure and function outputs the following: PolyPhen-2: "Benign". The valine amino acid residue is found in multiple mammalian species, which suggests that this missense change does not adversely affect protein function. In summary, the available evidence is currently insufficient to determine the role of this variant in disease. Therefore, it has been classified as a Variant of Uncertain Significance.

Literature cited by the submitters: PubMed 40580951 (cited by Ambry Genetics).